The following is an entry in ClinVar:

NM_001142800.2(EYS):c.5084C>G (p.Ser1695Ter)

Gene: EYS (EGF-like photoreceptor maintenance factor; minus strand). Cytogenetic location: 6q12.
Variant type: single nucleotide variant.
Coding change: c.5084C>G on transcript NM_001142800.2 (MANE Select); coding-DNA position 5084, C replaced by G.
Protein change: p.Ser1695Ter; replaces serine 1695 with a stop codon.
Molecular consequence: nonsense.
Genome position (GRCh38, 1-based): chr6:64,590,783, G>C on the plus strand (C>G on the coding strand, the complement: EYS is on the minus strand). VCF-style: chr6-64590783-G-C. GRCh37 (hg19) VCF-style: chr6-65300676-G-C.
Other names: c.5084C>G, p.Ser1695Ter (NM_001292009.2); short protein forms S1695*.
Identifiers: ClinVar variation 2835841 (VCV002835841.4), dbSNP rs2533150905, ClinGen allele CA364781890.

ClinVar aggregate classification (germline): Pathogenic/Likely pathogenic. Review status: criteria provided, multiple submitters, no conflicts (2 of 4 stars). 2 submissions from 2 submitters: Pathogenic (1); Likely pathogenic (1). Last evaluated 2024-04-16.

Conditions:
Retinitis pigmentosa 25 (RP25). Identifiers: Orphanet 791, MedGen C1864446, MONDO:0011272, OMIM 602772.

Allele frequency attached by ClinVar (database versions not stated): gnomAD exomes below 0.00001.
gnomAD v4.1: 1 of 1,549,772 alleles (0.000065%); highest among the groups gnomAD compares: Non-Finnish European, 0.000087%; no homozygotes.

Submissions (2):

Fulgent Genetics
Classification: Likely pathogenic for Retinitis pigmentosa 25. Last evaluated: 2024-04-16. Review status: criteria provided, single submitter. Criteria: ACMG Guidelines, 2015. Collection method: clinical testing. Allele origin: germline.

Labcorp Genetics (formerly Invitae), Labcorp
Classification: Pathogenic. Last evaluated: 2023-02-09. Review status: criteria provided, single submitter. Criteria: Invitae Variant Classification Sherloc (09022015). Collection method: clinical testing. Allele origin: germline.
Comment: This sequence change creates a premature translational stop signal (p.Ser1695*) in the EYS gene. It is expected to result in an absent or disrupted protein product. Loss-of-function variants in EYS are known to be pathogenic (PMID: 18836446, 20333770). This variant is not present in population databases (gnomAD no frequency). This variant has not been reported in the literature in individuals affected with EYS-related conditions. For these reasons, this variant has been classified as Pathogenic.

Literature cited by the submitters: PubMed 18836446 (cited by Labcorp Genetics (formerly Invitae), Labcorp); PubMed 20333770 (cited by Labcorp Genetics (formerly Invitae), Labcorp).